The following is an entry in ClinVar:

ClinVar aggregate classification (germline): Uncertain significance. Review status: criteria provided, single submitter (1 of 4 stars). 2 submissions from 2 submitters: Uncertain significance (1). 1 of the submissions does not count toward it. Last evaluated 2019-07-24.

Conditions:
Aicardi-Goutieres syndrome 7 (AGS7). Identifiers: Orphanet 51, MedGen C3888244, MONDO:0014367, OMIM 615846.

Submissions (2):

Baylor Genetics
Classification: Uncertain significance for Aicardi-Goutieres syndrome 7. Last evaluated: 2019-07-24. Review status: criteria provided, single submitter. Criteria: ACMG Guidelines, 2015. Collection method: clinical testing. Allele origin: unknown. Affected: yes.
Comment: This variant was determined to be of uncertain significance according to ACMG Guidelines, 2015 [PMID:25741868].

Solve-RD Consortium
Classification: Likely pathogenic for Aicardi-Goutieres syndrome 7. Last evaluated: 2022-06-01. Review status: no assertion criteria provided. Collection method: provider interpretation. Allele origin: de novo. Affected: yes. Not counted in ClinVar's aggregate classification.
Comment: Variant confirmed as disease-causing by referring clinical team

Variant identified during reanalysis of unsolved cases by the Solve-RD project. The Solve-RD project has received funding from the European Union’s Horizon 2020 research and innovation programme under grant agreement No 779257.

Literature cited by the submitters: PubMed 39825153 (cited by Solve-RD Consortium).

NM_022168.4(IFIH1):c.1015G>A (p.Ala339Thr)

Gene: IFIH1 (interferon induced with helicase C domain 1; minus strand). Cytogenetic location: 2q24.2.
Variant type: single nucleotide variant.
Coding change: c.1015G>A on transcript NM_022168.4 (MANE Select); coding-DNA position 1015, G replaced by A.
Protein change: p.Ala339Thr; replaces alanine 339 with threonine.
Molecular consequence: missense variant.
Genome position (GRCh38, 1-based): chr2:162,288,215, C>T on the plus strand (G>A on the coding strand, the complement: IFIH1 is on the minus strand). VCF-style: chr2-162288215-C-T. GRCh37 (hg19) VCF-style: chr2-163144725-C-T.
Other names: short protein forms A339T.
Identifiers: ClinVar variation 1030801 (VCV001030801.2), dbSNP rs1314541924, ClinGen allele CA349004696.